The following is an entry in ClinVar:

ClinVar aggregate classification (germline): Uncertain significance. Review status: criteria provided, multiple submitters, no conflicts (2 of 4 stars). 5 submissions from 5 submitters: Uncertain significance (5). Last evaluated 2025-12-11.

Conditions:
Sclerosteosis 2 (SOST2). Identifiers: Orphanet 3152, MedGen C3280402, MONDO:0013679, OMIM 614305.
Cenani-Lenz syndactyly syndrome. Also called: CENANI SYNDACTYLISM; SYNDACTYLY, TYPE VII. Identifiers: Orphanet 3258, MedGen C1859309, MONDO:0008931, OMIM 212780.
Congenital myasthenic syndrome 17. Identifiers: Orphanet 590, MedGen C4225377, MONDO:0014578, OMIM 616304.
Inborn genetic diseases. Identifiers: MedGen C0950123, MeSH D030342.

Allele frequency attached by ClinVar (database versions not stated): ExAC 0.00001; gnomAD exomes 0.00001 and 0.00006; TOPMed 0.00005; ESP Exome Variant Server 0.00008; gnomAD 0.00009 and 0.00007.
gnomAD v4.1: 109 of 1,614,060 alleles (0.0068%); highest among the groups gnomAD compares: Non-Finnish European, 0.0081%; no homozygotes.

Submissions (5):

Women's Health and Genetics/Laboratory Corporation of America, LabCorp
Classification: Uncertain significance. Last evaluated: 2025-12-11. Review status: criteria provided, single submitter. Criteria: LabCorp Variant Classification Summary - May 2015. Collection method: clinical testing. Allele origin: germline.
Comment: Variant summary: LRP4 c.5650A>G (p.Arg1884Gly) results in a non-conservative amino acid change in the encoded protein sequence. Algorithms developed to predict the effect of missense changes on protein structure and function all suggest that this variant is likely to be disruptive. The variant allele was found at a frequency of 1.2e-05 in 251250 control chromosomes. The available data on variant occurrences in the general population are insufficient to allow any conclusion about variant significance. To our knowledge, no occurrence of c.5650A>G in individuals affected with LRP4-related conditions and no experimental evidence demonstrating its impact on protein function have been reported. ClinVar contains an entry for this variant (Variation ID: 304845). Based on the evidence outlined above, the variant was classified as uncertain significance.

Ambry Genetics
Classification: Uncertain significance for Inborn genetic diseases. Last evaluated: 2025-04-09. Review status: criteria provided, single submitter. Criteria: Ambry Variant Classification Scheme 2023. Collection method: clinical testing. Allele origin: germline.

Fulgent Genetics
Classification: Uncertain significance for Cenani-Lenz syndactyly syndrome; Sclerosteosis 2; Congenital myasthenic syndrome 17. Last evaluated: 2024-03-07. Review status: criteria provided, single submitter. Criteria: ACMG Guidelines, 2015. Collection method: clinical testing. Allele origin: germline.

Labcorp Genetics (formerly Invitae), Labcorp
Classification: Uncertain significance for Cenani-Lenz syndactyly syndrome; Sclerosteosis 2; Congenital myasthenic syndrome 17. Last evaluated: 2022-10-17. Review status: criteria provided, single submitter. Criteria: Invitae Variant Classification Sherloc (09022015). Collection method: clinical testing. Allele origin: germline.
Comment: This sequence change replaces arginine, which is basic and polar, with glycine, which is neutral and non-polar, at codon 1884 of the LRP4 protein (p.Arg1884Gly). This variant is present in population databases (rs377204138, gnomAD 0.005%). This variant has not been reported in the literature in individuals affected with LRP4-related conditions. ClinVar contains an entry for this variant (Variation ID: 304845). Algorithms developed to predict the effect of missense changes on protein structure and function are either unavailable or do not agree on the potential impact of this missense change (SIFT: "Deleterious"; PolyPhen-2: "Benign"; Align-GVGD: "Class C0"). In summary, the available evidence is currently insufficient to determine the role of this variant in disease. Therefore, it has been classified as a Variant of Uncertain Significance.

Illumina Laboratory Services, Illumina
Classification: Uncertain significance for Cenani-Lenz syndactyly syndrome. Last evaluated: 2018-01-13. Review status: criteria provided, single submitter. Criteria: ICSL Variant Classification Criteria 13 December 2019. Collection method: clinical testing. Allele origin: germline.

NM_002334.4(LRP4):c.5650A>G (p.Arg1884Gly)

Genes: LRP4 (LDL receptor related protein 4; minus strand), LRP4-AS1 (LRP4 antisense RNA 1; plus strand). Cytogenetic location: 11p11.2.
Variant type: single nucleotide variant.
Coding change: c.5650A>G on transcript NM_002334.4 (MANE Select); coding-DNA position 5650, A replaced by G.
Protein change: p.Arg1884Gly; replaces arginine 1884 with glycine.
Molecular consequence: missense variant.
Genome position (GRCh38, 1-based): chr11:46,859,051, T>C on the plus strand (A>G on the coding strand, the complement: LRP4 is on the minus strand). VCF-style: chr11-46859051-T-C. GRCh37 (hg19) VCF-style: chr11-46880602-T-C.
Other names: short protein forms R1884G.
Identifiers: ClinVar variation 304845 (VCV000304845.13), dbSNP rs377204138, ClinGen allele CA5968972.